The following is an entry in ClinVar:

NM_001142864.4(PIEZO1):c.5691_5705del (p.Glu1898_Glu1902del)

Gene: PIEZO1 (piezo type mechanosensitive ion channel component 1 (Er blood group); minus strand). Cytogenetic location: 16q24.3.
Variant type: Deletion.
Coding change: c.5691_5705del on transcript NM_001142864.4 (MANE Select); coding-DNA positions 5691 to 5705, 15 bases deleted (AGAGGGGGAGGAAGA).
Protein change: p.Glu1898_Glu1902del.
Molecular consequence: inframe deletion. On other transcripts: inframe indel (1).
Genome position (GRCh38, 1-based): chr16:88,720,712-88,720,726, TCTTCCTCCCCCTCT deleted on the plus strand (AGAGGGGGAGGAAGA on the coding strand, the reverse complement: PIEZO1 is on the minus strand); deleting any 15 consecutive bases within chr16:88,720,712-88,720,736 gives the same sequence; the c. name uses the placement nearest the transcript's 3' end. VCF-style (leftmost placement, unchanged base first): chr16-88720711-CTCTTCCTCCCCCTCT-C. GRCh37 (hg19) VCF-style: chr16-88787119-CTCTTCCTCCCCCTCT-C.
Other names: c.4223_4237delGGGAGGAAGAAGAGG, p.Glu1412_Glu1416del (NM_014745.1).
Identifiers: ClinVar variation 2882612 (VCV002882612.3), dbSNP rs1471733118, ClinGen allele CA725601872.

ClinVar aggregate classification (germline): Uncertain significance (1 of 4 stars; one submission).

Submission:

Labcorp Genetics (formerly Invitae), Labcorp
Classification: Uncertain significance. Last evaluated: 2023-09-27. Review status: criteria provided, single submitter. Criteria: Invitae Variant Classification Sherloc (09022015). Collection method: clinical testing. Allele origin: germline.
Comment: In summary, the available evidence is currently insufficient to determine the role of this variant in disease. Therefore, it has been classified as a Variant of Uncertain Significance. Experimental studies and prediction algorithms are not available or were not evaluated, and the functional significance of this variant is currently unknown. This variant has not been reported in the literature in individuals affected with PIEZO1-related conditions. This variant is not present in population databases (gnomAD no frequency). This variant, c.5691_5705del, results in the deletion of 5 amino acid(s) of the PIEZO1 protein (p.Glu1898_Glu1902del), but otherwise preserves the integrity of the reading frame.